The following is an entry in ClinVar:

ClinVar aggregate classification (germline): Uncertain significance (1 of 4 stars; one submission).

Conditions:
Epidermolysis bullosa simplex 5B, with muscular dystrophy (EBS5B). Also called: EPIDERMOLYSIS BULLOSA SIMPLEX AND LIMB-GIRDLE MUSCULAR DYSTROPHY; Epidermolysis bullosa simplex with muscular dystrophy. Identifiers: Orphanet 257, MedGen C2931072, MONDO:0009181, OMIM 226670.
Epidermolysis bullosa simplex, Ogna type (EBS5A). Also called: Pidermolysis bullosa simplex 5A, Ogna type; EPIDERMOLYSIS BULLOSA SIMPLEX 5A, OGNA TYPE. Identifiers: Orphanet 79401, MedGen C0432317, MONDO:0007555, OMIM 131950.
Epidermolysis bullosa simplex 5C, with pyloric atresia (EBS5C). Also called: Epidermolysis bullosa simplex with pyloric atresia; PLEC-Related Epidermolysis Bullosa with Pyloric Atresia; PLEC1-Related Epidermolysis Bullosa with Pyloric Atresia. Identifiers: Orphanet 158684, MedGen C2677349, MONDO:0012807, OMIM 612138.
Autosomal recessive limb-girdle muscular dystrophy type 2Q (LGMDR17). Also called: MUSCULAR DYSTROPHY, LIMB-GIRDLE, AUTOSOMAL RECESSIVE 17. Identifiers: Orphanet 254361, MedGen C3150989, MONDO:0013390, OMIM 613723.
Epidermolysis bullosa simplex with nail dystrophy (EBS5D). Identifiers: MedGen C4225309, MONDO:0014661, OMIM 616487.

gnomAD v4.1: 1 of 1,613,074 alleles (0.000062%); highest among the groups gnomAD compares: Non-Finnish European, 0.000085%; no homozygotes.

Submission:

Labcorp Genetics (formerly Invitae), Labcorp
Classification: Uncertain significance for Autosomal recessive limb-girdle muscular dystrophy type 2Q; Epidermolysis bullosa simplex, Ogna type; Epidermolysis bullosa simplex with nail dystrophy; Epidermolysis bullosa simplex 5C, with pyloric atresia; Epidermolysis bullosa simplex 5B, with muscular dystrophy. Last evaluated: 2026-02-01. Review status: criteria provided, single submitter. Criteria: Invitae Variant Classification Sherloc (09022015). Collection method: clinical testing. Allele origin: germline.
Comment: This sequence change replaces threonine, which is neutral and polar, with lysine, which is basic and polar, at codon 3363 of the PLEC protein (p.Thr3363Lys). This variant is not present in population databases (gnomAD no frequency). This variant has not been reported in the literature in individuals affected with PLEC-related conditions. An algorithm developed to predict the effect of missense changes on protein structure and function outputs the following: PolyPhen-2: "Benign". The lysine amino acid residue is found in multiple mammalian species, which suggests that this missense change does not adversely affect protein function. In summary, the available evidence is currently insufficient to determine the role of this variant in disease. Therefore, it has been classified as a Variant of Uncertain Significance.

NM_201384.3(PLEC):c.10007C>A (p.Thr3336Lys)

Gene: PLEC (plectin; minus strand). Cytogenetic location: 8q24.3.
Variant type: single nucleotide variant.
Coding change: c.10007C>A on transcript NM_201384.3 (MANE Select); coding-DNA position 10007, C replaced by A.
Protein change: p.Thr3336Lys; replaces threonine 3336 with lysine.
Molecular consequence: missense variant.
Genome position (GRCh38, 1-based): chr8:143,919,814, G>T on the plus strand (C>A on the coding strand, the complement: PLEC is on the minus strand). VCF-style: chr8-143919814-G-T. GRCh37 (hg19) VCF-style: chr8-144993982-G-T.
Other names: c.10088C>A, p.Thr3363Lys (NM_000445.5); c.6707C>A, p.Thr2236Lys (NM_001410941.1); c.9965C>A, p.Thr3322Lys (NM_201378.4); c.9941C>A, p.Thr3314Lys (NM_201379.3); c.10418C>A, p.Thr3473Lys (NM_201380.4); c.9911C>A, p.Thr3304Lys (NM_201381.3); c.10007C>A, p.Thr3336Lys (NM_201382.4); c.10019C>A, p.Thr3340Lys (NM_201383.3); short protein forms T2236K, T3336K, T3363K, T3473K, T3340K, T3304K, T3314K, T3322K.
Identifiers: ClinVar variation 4794707 (VCV004794707.1).